The following is an entry in ClinVar:

ClinVar aggregate classification (germline): Uncertain significance. Review status: criteria provided, multiple submitters, no conflicts (2 of 4 stars). 4 submissions from 4 submitters: Uncertain significance (4). Last evaluated 2024-04-01.

Conditions:
Polycystic liver disease 4 with or without kidney cysts. Identifiers: MedGen C4693479, MONDO:0044327, OMIM 617875.
Exudative vitreoretinopathy 4 (EVR4). Identifiers: Orphanet 891, MedGen C1866176, MONDO:0011151, OMIM 601813.
Bone mineral density quantitative trait locus 1 (BMND1). Identifiers: MedGen C1866079, OMIM 601884.
Worth disease. Also called: ENDOSTEAL HYPEROSTOSIS, AUTOSOMAL DOMINANT; OSTEOSCLEROSIS, AUTOSOMAL DOMINANT; Autosomal dominant osteosclerosis, Worth type. Identifiers: Orphanet 2790, MedGen C0432273, MONDO:0007764, OMIM 144750.
Autosomal dominant osteopetrosis 1 (OPTA1). Also called: OSTEOPETROSIS, AUTOSOMAL DOMINANT, TYPE I. Identifiers: Orphanet 2783, MedGen C1843330, MONDO:0011877, OMIM 607634.
Osteoporosis with pseudoglioma (OPPG). Also called: osteoporosis-pseudoglioma syndrome. Identifiers: Orphanet 2788, MedGen C0432252, MONDO:0009820, OMIM 259770.
Inborn genetic diseases. Identifiers: MedGen C0950123, MeSH D030342.

Allele frequency attached by ClinVar (database versions not stated): ExAC 0.00002.
gnomAD v4.1: 7 of 1,613,892 alleles (0.00043%); highest among the groups gnomAD compares: South Asian, 0.0033%; no homozygotes.

Submissions (4):

Fulgent Genetics
Classification: Uncertain significance for Worth disease; Osteoporosis with pseudoglioma; Exudative vitreoretinopathy 4; Bone mineral density quantitative trait locus 1; Autosomal dominant osteopetrosis 1; Polycystic liver disease 4 with or without kidney cysts. Last evaluated: 2024-04-01. Review status: criteria provided, single submitter. Criteria: ACMG Guidelines, 2015. Collection method: clinical testing. Allele origin: germline.

Labcorp Genetics (formerly Invitae), Labcorp
Classification: Uncertain significance. Last evaluated: 2023-12-30. Review status: criteria provided, single submitter. Criteria: Invitae Variant Classification Sherloc (09022015). Collection method: clinical testing. Allele origin: germline.
Comment: This sequence change replaces proline, which is neutral and non-polar, with leucine, which is neutral and non-polar, at codon 943 of the LRP5 protein (p.Pro943Leu). This variant is present in population databases (rs773251794, gnomAD 0.01%). This variant has not been reported in the literature in individuals affected with LRP5-related conditions. ClinVar contains an entry for this variant (Variation ID: 2243410). An algorithm developed to predict the effect of missense changes on protein structure and function (PolyPhen-2) suggests that this variant is likely to be tolerated. In summary, the available evidence is currently insufficient to determine the role of this variant in disease. Therefore, it has been classified as a Variant of Uncertain Significance.

Revvity Omics, Revvity
Classification: Uncertain significance. Last evaluated: 2021-10-08. Review status: criteria provided, single submitter. Criteria: ACMG Guidelines, 2015. Collection method: clinical testing. Allele origin: germline.

Ambry Genetics
Classification: Uncertain significance for Inborn genetic diseases. Last evaluated: 2021-08-12. Review status: criteria provided, single submitter. Criteria: Ambry Variant Classification Scheme 2023. Collection method: clinical testing. Allele origin: germline.

NM_002335.4(LRP5):c.2828C>T (p.Pro943Leu)

Gene: LRP5 (LDL receptor related protein 5; plus strand). Cytogenetic location: 11q13.2.
Variant type: single nucleotide variant.
Coding change: c.2828C>T on transcript NM_002335.4 (MANE Select); coding-DNA position 2828, C replaced by T.
Protein change: p.Pro943Leu; replaces proline 943 with leucine.
Molecular consequence: missense variant.
Genome position (GRCh38, 1-based): chr11:68,416,328, C>T. VCF-style: chr11-68416328-C-T. GRCh37 (hg19) VCF-style: chr11-68183796-C-T.
Other names: c.1085C>T, p.Pro362Leu (NM_001291902.2); short protein forms P943L, P362L.
Identifiers: ClinVar variation 2243410 (VCV002243410.9), dbSNP rs773251794, ClinGen allele CA6149774.